The following is an entry in ClinVar:

NM_012186.3(FOXE3):c.283G>T (p.Ala95Ser)

Genes: LINC01389 (long independently transcribed non-coding RNA 1389; minus strand), FOXE3 (forkhead box E3; plus strand). Cytogenetic location: 1p33.
Variant type: single nucleotide variant.
Coding change: c.283G>T on transcript NM_012186.3 (MANE Select); coding-DNA position 283, G replaced by T.
Protein change: p.Ala95Ser; replaces alanine 95 with serine.
Molecular consequence: missense variant.
Genome position (GRCh38, 1-based): chr1:47,416,598, G>T. VCF-style: chr1-47416598-G-T. GRCh37 (hg19) VCF-style: chr1-47882270-G-T.
Other names: c.283G>T (NM_012186.2); short protein forms A95S.
Identifiers: ClinVar variation 1057924 (VCV001057924.10), dbSNP rs2124042280, ClinGen allele CA340249397.

ClinVar aggregate classification (germline): Uncertain significance. Review status: criteria provided, multiple submitters, no conflicts (2 of 4 stars). 2 submissions from 2 submitters: Uncertain significance (2). Last evaluated 2024-11-05.

Conditions:
Congenital primary aphakia. Also called: ANTERIOR SEGMENT DYSGENESIS 2; Anterior segment dysgenesis 2, multiple subtypes. Identifiers: Orphanet 83461, MedGen C1853230, MONDO:0012456, OMIM 610256.
Anterior segment dysgenesis. Also called: Ocular anterior segment dysgenesis. Identifiers: Orphanet 88632, MedGen C1862839, MONDO:0019503, HP:0007700.

Submissions (2):

GeneDx
Classification: Uncertain significance. Last evaluated: 2024-11-05. Review status: criteria provided, single submitter. Criteria: GeneDx Variant Classification Process June 2021. Collection method: clinical testing. Allele origin: germline. Affected: yes.
Comment: Not observed at significant frequency in large population cohorts (gnomAD); In silico analysis indicates that this missense variant does not alter protein structure/function; Has not been previously published as pathogenic or benign to our knowledge

Labcorp Genetics (formerly Invitae), Labcorp
Classification: Uncertain significance for Anterior segment dysgenesis; Congenital primary aphakia. Last evaluated: 2020-02-27. Review status: criteria provided, single submitter. Criteria: Invitae Variant Classification Sherloc (09022015). Collection method: clinical testing. Allele origin: germline.
Comment: This sequence change replaces alanine with serine at codon 95 of the FOXE3 protein (p.Ala95Ser). The alanine residue is moderately conserved and there is a moderate physicochemical difference between alanine and serine. This variant is not present in population databases (ExAC no frequency). This variant has not been reported in the literature in individuals with FOXE3-related conditions. Algorithms developed to predict the effect of missense changes on protein structure and function output the following: SIFT: "Tolerated"; PolyPhen-2: "Possibly Damaging"; Align-GVGD: "Class C0". The serine amino acid residue is found in multiple mammalian species, suggesting that this missense change does not adversely affect protein function. These predictions have not been confirmed by published functional studies and their clinical significance is uncertain. In summary, the available evidence is currently insufficient to determine the role of this variant in disease. Therefore, it has been classified as a Variant of Uncertain Significance.